The following is an entry in ClinVar:

ClinVar aggregate classification (germline): Uncertain significance (0 of 4 stars; one submission).

Allele frequency attached by ClinVar (database versions not stated): gnomAD exomes below 0.00001; TOPMed 0.00001.
gnomAD v4.1: 1 of 1,614,138 alleles (0.000062%); highest among the groups gnomAD compares: Non-Finnish European, 0.000085%; no homozygotes.

Submission:

Leiden Open Variation Database
Classification: Uncertain significance. Last evaluated: 2014-10-06. Review status: no assertion criteria provided. Collection method: curation. Allele origin: germline. Affected: yes.
Comment: Curator: Arleen D. Auerbach. Submitter to LOVD: Ana Osorio.

Literature cited by the submitters: PubMed 24027083.

NM_005236.3(ERCC4):c.2357C>T (p.Ser786Phe)

Gene: ERCC4 (ERCC excision repair 4, endonuclease catalytic subunit; plus strand). Cytogenetic location: 16p13.12.
Variant type: single nucleotide variant.
Coding change: c.2357C>T on transcript NM_005236.3 (MANE Select); coding-DNA position 2357, C replaced by T.
Protein change: p.Ser786Phe; replaces serine 786 with phenylalanine.
Molecular consequence: missense variant.
Genome position (GRCh38, 1-based): chr16:13,947,953, C>T. VCF-style: chr16-13947953-C-T. GRCh37 (hg19) VCF-style: chr16-14041810-C-T.
Other names: short protein forms S786F.
Identifiers: ClinVar variation 929560 (VCV000929560.1), dbSNP rs1451008479, ClinGen allele CA394823163.
Genomic context (GRCh38, chr16:13,947,953, plus strand): 5'-CTTTCTCTCTCACTTCCCGAGGTGCCTTGTTTCAGGAGATCTCCAGCAATGACATTAGTT[C>T]CAAACTCACTCTTCTTACACTTCACTTCCCCAGACTACGGATTCTCTGGTGCCCCTCTCC-3'
Protein context (NP_005227.1, residues 776-796): FQEISSNDIS[Ser786Phe]KLTLLTLHFP